The following is an entry in ClinVar:

ClinVar aggregate classification (germline): Likely benign (1 of 4 stars; one submission).

Allele frequency attached by ClinVar (database versions not stated): TOPMed 0.00002; gnomAD 0.00003; 1000 Genomes Project 30x 0.00016.
gnomAD v4.1: 6 of 1,484,860 alleles (0.0004%); highest among the groups gnomAD compares: African/African-American, 0.0029%; no homozygotes.

Submission:

CeGaT Center for Human Genetics Tuebingen
Classification: Likely benign. Last evaluated: 2023-07-01. Review status: criteria provided, single submitter. Criteria: CeGaT Center For Human Genetics Tuebingen Variant Classification Criteria Version 2. Collection method: clinical testing. Allele origin: germline. Affected: yes. Observed: 1 variant allele.
Comment: BICRA: BP4, BP7

NM_001394372.1(BICRA):c.1725C>T (p.Ala575=)

Gene: BICRA (BRD4 interacting chromatin remodeling complex associated protein; plus strand). Cytogenetic location: 19q13.33.
Variant type: single nucleotide variant.
Coding change: c.1725C>T on transcript NM_001394372.1 (MANE Select); coding-DNA position 1725, C replaced by T.
Protein change: p.Ala575=; no amino-acid change (alanine 575 retained).
Molecular consequence: synonymous variant.
Genome position (GRCh38, 1-based): chr19:47,680,895, C>T. VCF-style: chr19-47680895-C-T. GRCh37 (hg19) VCF-style: chr19-48184152-C-T.
Other names: c.1725C>T, p.Ala575= (NM_015711.3).
Identifiers: ClinVar variation 2650166 (VCV002650166.24), dbSNP rs755798126, ClinGen allele CA9541792.
Genomic context (GRCh38, chr19:47,680,895, plus strand): 5'-CCAGATGCCCGTGTCGCTGGCGGCGGGCAGCCTGCCCACGCAGAGCCAGCCAGCGCCCGC[C>T]GGGCCGGCCGCCACCACTGTCCTCCAGGGGGTCACCCTGCCCCCCAGCGCCGTGGCCATG-3'
Protein context (NP_001381301.1, residues 565-585): SLPTQSQPAP[Ala575=]GPAATTVLQG